The following is an entry in ClinVar:

NM_004415.4(DSP):c.1901C>G (p.Thr634Arg)

Gene: DSP (desmoplakin; plus strand). Cytogenetic location: 6p24.3.
Variant type: single nucleotide variant.
Coding change: c.1901C>G on transcript NM_004415.4 (MANE Select); coding-DNA position 1901, C replaced by G.
Protein change: p.Thr634Arg; replaces threonine 634 with arginine.
Molecular consequence: missense variant.
Genome position (GRCh38, 1-based): chr6:7,571,582, C>G. VCF-style: chr6-7571582-C-G. GRCh37 (hg19) VCF-style: chr6-7571815-C-G.
Other names: c.1901C>G (LRG_423t1); c.1901C>G, p.Thr634Arg (NM_001008844.3, NM_001319034.2); short protein forms T634R.
Identifiers: ClinVar variation 222573 (VCV000222573.14), dbSNP rs139964486, ClinGen allele CA030379.
Genomic context (GRCh38, chr6:7,571,582, plus strand): 5'-ATGCCCAGAAGCATTACCAGACCCTGGTCATTCAGCTCCCTGGCTATCCCCAGCACCAGA[C>G]AGGTCGGCTTGGGACATCTTTCTCTTTGTATCAACCATCCATACCATTTTAAAAAGAAGG-3'
Protein context (NP_004406.2, residues 624-644): IQLPGYPQHQ[Thr634Arg]VTTTEITHHG

ClinVar aggregate classification (germline): Uncertain significance. Review status: criteria provided, multiple submitters, no conflicts (2 of 4 stars). 3 submissions from 3 submitters: Uncertain significance (3). Last evaluated 2025-05-19.

Conditions:
Cardiovascular phenotype. Identifiers: MedGen CN230736.
Arrhythmogenic cardiomyopathy with wooly hair and keratoderma. Also called: Dilated cardiomyopathy with woolly hair and keratoderma; PALMOPLANTAR KERATODERMA WITH LEFT VENTRICULAR CARDIOMYOPATHY AND WOOLLY HAIR; Carvajal syndrome; Arrhythmogenic cardiomyopathy with woolly hair and keratoderma. Identifiers: Orphanet 65282, MedGen C1854063, MONDO:0011581, OMIM 605676.
Arrhythmogenic right ventricular dysplasia 8 (ARVD8). Also called: Arrhythmogenic Right Ventricular Dysplasia/Cardiomyopathy 8; ARRHYTHMOGENIC RIGHT VENTRICULAR DYSPLASIA, FAMILIAL, 8; ARRHYTHMOGENIC RIGHT VENTRICULAR CARDIOMYOPATHY 8. Identifiers: MedGen C1843896, MONDO:0011831, OMIM 607450.

Allele frequency attached by ClinVar (database versions not stated): gnomAD 0.00001; ESP Exome Variant Server 0.00008.
gnomAD v4.1: 1 of 1,614,046 alleles (0.000062%); highest among the groups gnomAD compares: African/African-American, 0.0013%; no homozygotes.

Submissions (3):

Labcorp Genetics (formerly Invitae), Labcorp
Classification: Uncertain significance for Arrhythmogenic cardiomyopathy with wooly hair and keratoderma; Arrhythmogenic right ventricular dysplasia 8. Last evaluated: 2025-05-19. Review status: criteria provided, single submitter. Criteria: Invitae Variant Classification Sherloc (09022015). Collection method: clinical testing. Allele origin: germline.
Comment: This sequence change replaces threonine, which is neutral and polar, with arginine, which is basic and polar, at codon 634 of the DSP protein (p.Thr634Arg). This variant is not present in population databases (gnomAD no frequency). This variant has not been reported in the literature in individuals affected with DSP-related conditions. ClinVar contains an entry for this variant (Variation ID: 222573). An algorithm developed to predict the effect of missense changes on protein structure and function (PolyPhen-2) suggests that this variant is likely to be tolerated. In summary, the available evidence is currently insufficient to determine the role of this variant in disease. Therefore, it has been classified as a Variant of Uncertain Significance.

Ambry Genetics
Classification: Uncertain significance for Cardiovascular phenotype. Last evaluated: 2021-02-23. Review status: criteria provided, single submitter. Criteria: Ambry Variant Classification Scheme 2023. Collection method: clinical testing. Allele origin: germline.
Comment: The p.T634R variant (also known as c.1901C>G), located in coding exon 14 of the DSP gene, results from a C to G substitution at nucleotide position 1901. The threonine at codon 634 is replaced by arginine, an amino acid with similar properties. This amino acid position is highly conserved in available vertebrate species. In addition, the in silico prediction for this alteration is inconclusive. Since supporting evidence is limited at this time, the clinical significance of this alteration remains unclear.

GeneDx
Classification: Uncertain significance. Last evaluated: 2019-03-28. Review status: criteria provided, single submitter. Criteria: GeneDx Variant Classification Process June 2021. Collection method: clinical testing. Allele origin: germline. Affected: yes.
Comment: Not observed in large population cohorts (Lek et al., 2016); In silico analysis, which includes splice predictors and evolutionary conservation, suggests this missense variant may impact gene splicing. In the absence of RNA/functional studies, the actual effect of this sequence change is unknown; Reported in ClinVar but additional evidence is not available (ClinVar Variant ID 222573; Landrum et al., 2016); Has not been previously published as pathogenic or benign to our knowledge